The following is an entry in ClinVar:

NM_001304438.2(TMEM132E):c.2474C>T (p.Pro825Leu)

Gene: TMEM132E (transmembrane protein 132E; plus strand). Cytogenetic location: 17q12.
Variant type: single nucleotide variant.
Coding change: c.2474C>T on transcript NM_001304438.2 (MANE Select); coding-DNA position 2474, C replaced by T.
Protein change: p.Pro825Leu; replaces proline 825 with leucine.
Molecular consequence: missense variant.
Genome position (GRCh38, 1-based): chr17:34,637,481, C>T. VCF-style: chr17-34637481-C-T. GRCh37 (hg19) VCF-style: chr17-32964500-C-T.
Other names: P735L; short protein forms P825L.
Identifiers: ClinVar variation 977485 (VCV000977485.1), dbSNP rs370232097, ClinGen allele CA8496962.

ClinVar aggregate classification (germline): no classifications from unflagged records (0 of 4 stars; one submission).

Conditions:
Hearing loss, autosomal recessive 99. Also called: DEAFNESS, AUTOSOMAL RECESSIVE 99. Identifiers: MedGen C4760579, MONDO:0032776, OMIM 618481.

Allele frequency attached by ClinVar (database versions not stated): gnomAD 0.00001; gnomAD exomes 0.00001 and 0.00002; ExAC 0.00003; ESP Exome Variant Server 0.00008.

Submission:

OMIM
Classification: Pathogenic for DEAFNESS, AUTOSOMAL RECESSIVE 99. Last evaluated: 2020-09-02. Review status: flagged submission. Collection method: literature only. Allele origin: germline.
ClinVar note: Notes: Flagging candidate with reason of insufficient supporting evidence. This gene has been classified as having a limited gene-disease relationship by a ClinGen Expert Panel.
ClinVar note: Reason: Other

Literature cited by the submitters: PubMed 31656313.